The following is an entry in ClinVar:

ClinVar aggregate classification (germline): Pathogenic. Review status: criteria provided, multiple submitters, no conflicts (2 of 4 stars). 2 submissions from 2 submitters: Pathogenic (2). Last evaluated 2024-06-20.

Conditions:
Pontocerebellar hypoplasia type 6 (PCH6). Identifiers: Orphanet 166073, MedGen C1969084, MONDO:0012683, OMIM 611523.

Submissions (2):

Fulgent Genetics
Classification: Pathogenic for Pontocerebellar hypoplasia type 6. Last evaluated: 2024-06-20. Review status: criteria provided, single submitter. Criteria: ACMG Guidelines, 2015. Collection method: clinical testing. Allele origin: germline.

Labcorp Genetics (formerly Invitae), Labcorp
Classification: Pathogenic. Last evaluated: 2021-11-01. Review status: criteria provided, single submitter. Criteria: Invitae Variant Classification Sherloc (09022015). Collection method: clinical testing. Allele origin: germline.
Comment: This variant is not present in population databases (gnomAD no frequency). For these reasons, this variant has been classified as Pathogenic. Disruption of the initiator codon has been observed in individual(s) with pontocerebellar hypoplasia (PMID: 25356970, 26083569, 32860008, 34247374). In at least one individual the data is consistent with the variant being in trans (on the opposite chromosome) from a pathogenic variant. It has also been observed to segregate with disease in related individuals. This sequence change affects the initiator methionine of the RARS2 mRNA. The next in-frame methionine is located at codon 176.

Literature cited by the submitters: PubMed 25356970 (cited by Labcorp Genetics (formerly Invitae), Labcorp); PubMed 26083569 (cited by Labcorp Genetics (formerly Invitae), Labcorp); PubMed 32860008 (cited by Labcorp Genetics (formerly Invitae), Labcorp); PubMed 34247374 (cited by Labcorp Genetics (formerly Invitae), Labcorp).

NM_020320.5(RARS2):c.3G>T (p.Met1Ile)

Gene: RARS2 (arginyl-tRNA synthetase 2, mitochondrial; minus strand). Cytogenetic location: 6q15.
Variant type: single nucleotide variant.
Coding change: c.3G>T on transcript NM_020320.5 (MANE Select); coding-DNA position 3, G replaced by T.
Protein change: p.Met1Ile; changes the start codon (methionine 1).
Molecular consequence: missense variant, initiator codon variant. On other transcripts: 5 prime UTR variant (7), non-coding transcript variant (23).
Genome position (GRCh38, 1-based): chr6:87,589,955, C>A on the plus strand (G>T on the coding strand, the complement: RARS2 is on the minus strand). VCF-style: chr6-87589955-C-A. GRCh37 (hg19) VCF-style: chr6-88299673-C-A.
Other names: c.-688G>T (NM_001318785.2); c.3G>T, p.Met1Ile (NM_001350505.2); c.-744G>T (NM_001350506.2, NM_001350510.2); c.-867G>T (NM_001350507.2); c.-906G>T (NM_001350508.2); c.-614G>T (NM_001350509.2); c.-863G>T (NM_001350511.2); short protein forms M1I.
Identifiers: ClinVar variation 1450145 (VCV001450145.7), dbSNP rs2128238503, ClinGen allele CA364919915.
Genomic context (GRCh38, chr6:87,589,955, plus strand): 5'-CTCCTCTGCGCGCTCCGGGATCCATACCTGGCAAGCAATAGCGCGGCGAAAGCCGCACGC[C>A]ATGTCCACCTCTACGGAAGTGCGCCGCAGTCCGCCAGTTCCGGCCTCGCCCCACCTCCTT-3'
Protein context (NP_064716.2, residues 1-11): [Met1Ile]ACGFRRAIAC